The following is an entry in ClinVar:

NM_170606.3(KMT2C):c.11942A>C (p.Asn3981Thr)

Gene: KMT2C (lysine methyltransferase 2C; minus strand). Cytogenetic location: 7q36.1.
Variant type: single nucleotide variant.
Coding change: c.11942A>C on transcript NM_170606.3 (MANE Select); coding-DNA position 11942, A replaced by C.
Protein change: p.Asn3981Thr; replaces asparagine 3981 with threonine.
Molecular consequence: missense variant.
Genome position (GRCh38, 1-based): chr7:152,155,928, T>G on the plus strand (A>C on the coding strand, the complement: KMT2C is on the minus strand). VCF-style: chr7-152155928-T-G. GRCh37 (hg19) VCF-style: chr7-151853013-T-G.
Other names: short protein forms N3981T.
Identifiers: ClinVar variation 134808 (VCV000134808.1), dbSNP rs587778508, ClinGen allele CA160785.

ClinVar aggregate classification (germline): not provided (0 of 4 stars; one submission).

Submission:

ITMI
No classification provided. Condition: AllHighlyPenetrant. Last evaluated: 2013-09-19. Review status: no classification provided. Collection method: reference population. Allele origin: germline.
Comment: Please see associated publication for description of ethnicities

Literature cited by the submitters: PubMed 24728327.